The following is an entry in ClinVar:

NM_001283009.2(RTEL1):c.1506C>G (p.Asn502Lys)

Genes: RTEL1 (regulator of telomere elongation helicase 1; plus strand), RTEL1-TNFRSF6B (RTEL1-TNFRSF6B readthrough (NMD candidate); plus strand). Cytogenetic location: 20q13.33.
Variant type: single nucleotide variant.
Coding change: c.1506C>G on transcript NM_001283009.2 (MANE Select); coding-DNA position 1506, C replaced by G.
Protein change: p.Asn502Lys; replaces asparagine 502 with lysine.
Molecular consequence: missense variant. On other transcripts: non-coding transcript variant (1).
Genome position (GRCh38, 1-based): chr20:63,687,961, C>G. VCF-style: chr20-63687961-C-G. GRCh37 (hg19) VCF-style: chr20-62319314-C-G.
Other names: c.837C>G, p.Asn279Lys (NM_001283010.1); c.1506C>G, p.Asn502Lys (NM_016434.4); c.1578C>G, p.Asn526Lys (NM_032957.5); short protein forms N279K, N502K, N526K.
Identifiers: ClinVar variation 4827703 (VCV004827703.1).

ClinVar aggregate classification (germline): Uncertain significance (1 of 4 stars; one submission).

Conditions:
Inborn genetic diseases. Identifiers: MedGen C0950123, MeSH D030342.

Submission:

Ambry Genetics
Classification: Uncertain significance for Inborn genetic diseases. Last evaluated: 2026-02-24. Review status: criteria provided, single submitter. Criteria: Ambry Variant Classification Scheme 2023. Collection method: clinical testing. Allele origin: germline.
Comment: The p.N502K variant (also known as c.1506C>G), located in coding exon 17 of the RTEL1 gene, results from a C to G substitution at nucleotide position 1506. The asparagine at codon 502 is replaced by lysine, an amino acid with similar properties. This amino acid position is conserved. In addition, the in silico prediction for this alteration is inconclusive. Based on the available evidence, the clinical significance of this variant remains unclear.